The following is an entry in ClinVar:

NM_014915.3(ANKRD26):c.1062C>A (p.Asn354Lys)

Gene: ANKRD26 (ankyrin repeat domain 26; minus strand). Cytogenetic location: 10p12.1.
Variant type: single nucleotide variant.
Coding change: c.1062C>A on transcript NM_014915.3 (MANE Select); coding-DNA position 1062, C replaced by A.
Protein change: p.Asn354Lys; replaces asparagine 354 with lysine.
Molecular consequence: missense variant.
Genome position (GRCh38, 1-based): chr10:27,077,353, G>T on the plus strand (C>A on the coding strand, the complement: ANKRD26 is on the minus strand). VCF-style: chr10-27077353-G-T. GRCh37 (hg19) VCF-style: chr10-27366282-G-T.
Other names: c.1062C>A, p.Asn354Lys (NM_001256053.2); short protein forms N354K.
Identifiers: ClinVar variation 3623979 (VCV003623979.2).

ClinVar aggregate classification (germline): Uncertain significance (1 of 4 stars; one submission).

gnomAD v4.1: 9 of 1,613,656 alleles (0.00056%); highest among the groups gnomAD compares: East Asian, 0.011%; no homozygotes.

Submission:

Labcorp Genetics (formerly Invitae), Labcorp
Classification: Uncertain significance. Last evaluated: 2025-03-31. Review status: criteria provided, single submitter. Criteria: Invitae Variant Classification Sherloc (09022015). Collection method: clinical testing. Allele origin: germline.
Comment: This sequence change replaces asparagine, which is neutral and polar, with lysine, which is basic and polar, at codon 354 of the ANKRD26 protein (p.Asn354Lys). This variant is present in population databases (rs749392007, gnomAD 0.02%). This variant has not been reported in the literature in individuals affected with ANKRD26-related conditions. An algorithm developed to predict the effect of missense changes on protein structure and function (PolyPhen-2) suggests that this variant is likely to be tolerated. In summary, the available evidence is currently insufficient to determine the role of this variant in disease. Therefore, it has been classified as a Variant of Uncertain Significance.